The following is an entry in ClinVar:

ClinVar aggregate classification (germline): Uncertain significance (1 of 4 stars; one submission).

Submission:

GeneDx
Classification: Uncertain significance. Last evaluated: 2023-11-06. Review status: criteria provided, single submitter. Criteria: GeneDx Variant Classification Process June 2021. Collection method: clinical testing. Allele origin: germline.
Comment: Not observed at significant frequency in large population cohorts (gnomAD); In silico analysis supports that this missense variant has a deleterious effect on protein structure/function; Has not been previously published as pathogenic or benign to our knowledge; Variants in candidate genes are classified as variants of uncertain significance in accordance with ACMG guidelines (PMID: 25741868)

NM_014921.5(ADGRL1):c.2996T>C (p.Ile999Thr)

Genes: ADGRL1 (adhesion G protein-coupled receptor L1; minus strand), ADGRL1-AS1 (ADGRL1 antisense RNA 1; plus strand). Cytogenetic location: 19p13.12.
Variant type: single nucleotide variant.
Coding change: c.2996T>C on transcript NM_014921.5 (MANE Select); coding-DNA position 2996, T replaced by C.
Protein change: p.Ile999Thr; replaces isoleucine 999 with threonine.
Molecular consequence: missense variant.
Genome position (GRCh38, 1-based): chr19:14,156,695, A>G on the plus strand (T>C on the coding strand, the complement: ADGRL1 is on the minus strand). VCF-style: chr19-14156695-A-G. GRCh37 (hg19) VCF-style: chr19-14267507-A-G.
Other names: c.3011T>C, p.Ile1004Thr (NM_001008701.3); short protein forms I1004T, I999T.
Identifiers: ClinVar variation 4891411 (VCV004891411.1).